The following is an entry in ClinVar:

ClinVar aggregate classification (germline): Likely benign (0 of 4 stars; one submission).

Conditions:
PSAP-related disorder. Also called: PSAP-related condition.

Submission:

PreventionGenetics, part of Exact Sciences
Classification: Likely benign for PSAP-related condition. Last evaluated: 2019-03-11. Review status: no assertion criteria provided. Collection method: clinical testing. Allele origin: germline.
Comment: This variant is classified as likely benign based on ACMG/AMP sequence variant interpretation guidelines (Richards et al. 2015 PMID: 25741868, with internal and published modifications).

NM_002778.4(PSAP):c.-7C>G

Gene: PSAP (prosaposin; minus strand). Cytogenetic location: 10q22.1.
Variant type: single nucleotide variant.
Coding change: c.-7C>G on transcript NM_002778.4 (MANE Select); 7 bases upstream of the start codon, C replaced by G.
Molecular consequence: 5 prime UTR variant.
Genome position (GRCh38, 1-based): chr10:71,851,228, G>C on the plus strand (C>G on the coding strand, the complement: PSAP is on the minus strand). VCF-style: chr10-71851228-G-C. GRCh37 (hg19) VCF-style: chr10-73610985-G-C.
Other names: c.-7C>G (NM_001042465.3, NM_001042466.3).
Identifiers: ClinVar variation 3047580 (VCV003047580.2), dbSNP rs376590649, ClinGen allele CA209489583.
Genomic context (GRCh38, chr10:71,851,228, plus strand): 5'-GTCCCAGGGCTTACCCGCGCCCAGGAGGCTGGCCAGGAGGAAGAGGGCGTACATAGCGCC[G>C]TCTGACTCCGCAGTCTGCAATGCGGAGCGTCAGCTGATCCCCCGCAGATATAAATCTGCC-3'